The following is an entry in ClinVar:

NM_001206744.2(TPO):c.1336C>G (p.Gln446Glu)

Gene: TPO (thyroid peroxidase; plus strand). Cytogenetic location: 2p25.3.
Variant type: single nucleotide variant.
Coding change: c.1336C>G on transcript NM_001206744.2 (MANE Select); coding-DNA position 1336, C replaced by G.
Protein change: p.Gln446Glu; replaces glutamine 446 with glutamic acid.
Molecular consequence: missense variant. On other transcripts: intron variant (1).
Genome position (GRCh38, 1-based): chr2:1,477,602, C>G. VCF-style: chr2-1477602-C-G. GRCh37 (hg19) VCF-style: chr2-1481374-C-G.
Other names: c.1336C>G, p.Gln446Glu (NM_000547.6, NM_001206745.2, NM_175719.4 and 1 more transcripts); c.820-6994C>G (NM_175722.3); short protein forms Q446E.
Identifiers: ClinVar variation 2575761 (VCV002575761.1), dbSNP rs2546100578, ClinGen allele CA345694887.

ClinVar aggregate classification (germline): Uncertain significance (1 of 4 stars; one submission).

Submission:

GeneDx
Classification: Uncertain significance. Last evaluated: 2023-02-08. Review status: criteria provided, single submitter. Criteria: GeneDx Variant Classification Process June 2021. Collection method: clinical testing. Allele origin: germline. Affected: yes.
Comment: Not observed at significant frequency in large population cohorts (gnomAD); In silico analysis supports that this missense variant has a deleterious effect on protein structure/function; Has not been previously published as pathogenic or benign to our knowledge